The following is an entry in ClinVar:

NM_000256.3(MYBPC3):c.3000G>A (p.Lys1000=)

Gene: MYBPC3 (myosin binding protein C3; minus strand). Cytogenetic location: 11p11.2.
Variant type: single nucleotide variant.
Coding change: c.3000G>A on transcript NM_000256.3 (MANE Select); coding-DNA position 3000, G replaced by A.
Protein change: p.Lys1000=; no amino-acid change (lysine 1000 retained).
Molecular consequence: synonymous variant.
Genome position (GRCh38, 1-based): chr11:47,333,747, C>T on the plus strand (G>A on the coding strand, the complement: MYBPC3 is on the minus strand). VCF-style: chr11-47333747-C-T. GRCh37 (hg19) VCF-style: chr11-47355298-C-T.
Identifiers: ClinVar variation 3069794 (VCV003069794.1), dbSNP rs1595841923, ClinGen allele CA474429303.

ClinVar aggregate classification (germline): Uncertain significance (1 of 4 stars; one submission).

Conditions:
Hypertrophic cardiomyopathy. Also called: HYPERTROPHIC MYOCARDIOPATHY. Identifiers: Orphanet 217569, MedGen C0007194, MeSH D002312, MONDO:0005045, HP:0001639.

Allele frequency attached by ClinVar (database versions not stated): gnomAD exomes below 0.00001.

Submission:

All of Us Research Program, National Institutes of Health
Classification: Uncertain significance for Hypertrophic cardiomyopathy. Last evaluated: 2023-03-09. Review status: criteria provided, single submitter. Criteria: ACMG Guidelines, 2015. Collection method: clinical testing. Allele origin: germline. Inheritance: Autosomal dominant inheritance. Observed: 1 variant allele, 1 heterozygote.
Comment: This variant is located in the MYBPC3 protein. To our knowledge, functional studies have not been reported for this variant. This variant has not been reported in individuals affected with MYBPC3-related disorders in the literature. This variant has not been identified in the general population by the Genome Aggregation Database (gnomAD). The available evidence is insufficient to determine the role of this variant in disease conclusively. Therefore, this variant is classified as a Variant of Uncertain Significance.

This study involves interpretation of variants in research participants for the purpose of population health screening. Participant phenotype was not available at the time of variant classification. Additional details can be found in publication PMID: 35346344, PMCID: PMC8962531